The following is an entry in ClinVar:

NM_006302.3(MOGS):c.89G>C (p.Arg30Pro)

Genes: MOGS (mannosyl-oligosaccharide glucosidase; minus strand), LOC129934128 (ATAC-STARR-seq lymphoblastoid silent region 11664; plus strand). Cytogenetic location: 2p13.1.
Variant type: single nucleotide variant.
Coding change: c.89G>C on transcript NM_006302.3 (MANE Select); coding-DNA position 89, G replaced by C.
Protein change: p.Arg30Pro; replaces arginine 30 with proline.
Molecular consequence: missense variant. On other transcripts: intron variant (1).
Genome position (GRCh38, 1-based): chr2:74,465,159, C>G on the plus strand (G>C on the coding strand, the complement: MOGS is on the minus strand). VCF-style: chr2-74465159-C-G. GRCh37 (hg19) VCF-style: chr2-74692286-C-G.
Other names: c.-59+155G>C (NM_001146158.2); short protein forms R30P.
Identifiers: ClinVar variation 1494472 (VCV001494472.8), dbSNP rs1257979415, ClinGen allele CA347383539.

ClinVar aggregate classification (germline): Uncertain significance (1 of 4 stars; one submission).

Conditions:
MOGS-congenital disorder of glycosylation. Also called: CDG IIb; MOGS-CDG; GLUCOSIDASE I DEFICIENCY; CDG 2B. Identifiers: Orphanet 79330, MedGen C1853736, MONDO:0011629, OMIM 606056.

gnomAD v4.1: 1 of 1,531,516 alleles (0.000065%); highest among the groups gnomAD compares: Admixed American, 0.002%; no homozygotes.

Submission:

Labcorp Genetics (formerly Invitae), Labcorp
Classification: Uncertain significance for MOGS-congenital disorder of glycosylation. Last evaluated: 2024-10-29. Review status: criteria provided, single submitter. Criteria: Invitae Variant Classification Sherloc (09022015). Collection method: clinical testing. Allele origin: germline.
Comment: This sequence change replaces arginine, which is basic and polar, with proline, which is neutral and non-polar, at codon 30 of the MOGS protein (p.Arg30Pro). This variant is not present in population databases (gnomAD no frequency). This variant has not been reported in the literature in individuals affected with MOGS-related conditions. ClinVar contains an entry for this variant (Variation ID: 1494472). An algorithm developed to predict the effect of missense changes on protein structure and function (PolyPhen-2) suggests that this variant is likely to be disruptive. In summary, the available evidence is currently insufficient to determine the role of this variant in disease. Therefore, it has been classified as a Variant of Uncertain Significance.